The following is an entry in ClinVar:

ClinVar aggregate classification (germline): Uncertain significance (1 of 4 stars; one submission).

Conditions:
Familial thoracic aortic aneurysm and aortic dissection (TAAD). Also called: Thoracic aortic aneurysms and dissections. Identifiers: Orphanet 91387, MedGen C4707243, MONDO:0019625.

Submission:

Ambry Genetics
Classification: Uncertain significance for Familial thoracic aortic aneurysm and aortic dissection. Last evaluated: 2025-01-06. Review status: criteria provided, single submitter. Criteria: Ambry Variant Classification Scheme 2023. Collection method: clinical testing. Allele origin: germline.
Comment: The p.Y308F variant (also known as c.923A>T), located in coding exon 5 of the TGFB2 gene, results from an A to T substitution at nucleotide position 923. The tyrosine at codon 308 is replaced by phenylalanine, an amino acid with highly similar properties. This amino acid position is conserved. In addition, this alteration is predicted to be tolerated by in silico analysis. Based on the available evidence, the clinical significance of this variant remains unclear.

NM_003238.6(TGFB2):c.923A>T (p.Tyr308Phe)

Gene: TGFB2 (transforming growth factor beta 2; plus strand). Cytogenetic location: 1q41.
Variant type: single nucleotide variant.
Coding change: c.923A>T on transcript NM_003238.6 (MANE Select); coding-DNA position 923, A replaced by T.
Protein change: p.Tyr308Phe; replaces tyrosine 308 with phenylalanine.
Molecular consequence: missense variant. On other transcripts: non-coding transcript variant (2).
Genome position (GRCh38, 1-based): chr1:218,436,138, A>T. VCF-style: chr1-218436138-A-T. GRCh37 (hg19) VCF-style: chr1-218609480-A-T.
Other names: c.1007A>T, p.Tyr336Phe (NM_001135599.4); short protein forms Y308F, Y336F.
Identifiers: ClinVar variation 3806399 (VCV003806399.1).
Genomic context (GRCh38, chr1:218,436,138, plus strand): 5'-CCTACAGACTTGAGTCACAACAGACCAACCGGCGGAAGAAGCGTGCTTTGGATGCGGCCT[A>T]TTGCTTTAGGTAAAGGAAAGAAAAGTAAAACCAAGTAATTGCATCTGTTAACTCTTAAAC-3'
Protein context (NP_003229.1, residues 298-318): RRKKRALDAA[Tyr308Phe]CFRNVQDNCC